The following is an entry in ClinVar:

NM_006015.6(ARID1A):c.2359T>C (p.Ser787Pro)

Gene: ARID1A (AT-rich interaction domain 1A; plus strand). Cytogenetic location: 1p36.11.
Variant type: single nucleotide variant.
Coding change: c.2359T>C on transcript NM_006015.6 (MANE Select); coding-DNA position 2359, T replaced by C.
Protein change: p.Ser787Pro; replaces serine 787 with proline.
Molecular consequence: missense variant.
Genome position (GRCh38, 1-based): chr1:26,762,259, T>C. VCF-style: chr1-26762259-T-C. GRCh37 (hg19) VCF-style: chr1-27088750-T-C.
Other names: c.2359T>C, p.Ser787Pro (NM_139135.4); short protein forms S787P.
Identifiers: ClinVar variation 1721479 (VCV001721479.5), dbSNP rs2124064025, ClinGen allele CA339155380.

ClinVar aggregate classification (germline): Uncertain significance (1 of 4 stars; one submission).

Submission:

Labcorp Genetics (formerly Invitae), Labcorp
Classification: Uncertain significance. Last evaluated: 2022-10-12. Review status: criteria provided, single submitter. Criteria: Invitae Variant Classification Sherloc (09022015). Collection method: clinical testing. Allele origin: germline.
Comment: In summary, the available evidence is currently insufficient to determine the role of this variant in disease. Therefore, it has been classified as a Variant of Uncertain Significance. Advanced modeling of protein sequence and biophysical properties (such as structural, functional, and spatial information, amino acid conservation, physicochemical variation, residue mobility, and thermodynamic stability) performed at Invitae indicates that this missense variant is not expected to disrupt ARID1A protein function. This variant has not been reported in the literature in individuals affected with ARID1A-related conditions. This variant is not present in population databases (gnomAD no frequency). This sequence change replaces serine, which is neutral and polar, with proline, which is neutral and non-polar, at codon 787 of the ARID1A protein (p.Ser787Pro).